The following is an entry in ClinVar:

ClinVar aggregate classification (germline): Uncertain significance (1 of 4 stars; one submission).

Conditions:
Hereditary breast ovarian cancer syndrome. Also called: Hereditary breast and ovarian cancer syndrome; Hereditary breast and ovarian cancer syndrome (HBOC); Hereditary breast and/or ovarian cancer syndrome; Breast and ovarian cancer; Hereditary breast and ovarian cancer; BRCA1- and BRCA2-Associated Hereditary Breast and Ovarian Cancer. Identifiers: Orphanet 145, MedGen C0677776, MeSH D061325, MONDO:0003582. Disease mechanism: loss of function.

Allele frequency attached by ClinVar (database versions not stated): gnomAD 0.00001.
gnomAD v4.1: 1 of 1,613,936 alleles (0.000062%); highest among the groups gnomAD compares: African/African-American, 0.0013%; no homozygotes.

Submission:

Labcorp Genetics (formerly Invitae), Labcorp
Classification: Uncertain significance for Hereditary breast ovarian cancer syndrome. Last evaluated: 2023-03-26. Review status: criteria provided, single submitter. Criteria: Invitae Variant Classification Sherloc (09022015). Collection method: clinical testing. Allele origin: germline.
Comment: Advanced modeling of protein sequence and biophysical properties (such as structural, functional, and spatial information, amino acid conservation, physicochemical variation, residue mobility, and thermodynamic stability) performed at Invitae indicates that this missense variant is not expected to disrupt BRCA1 protein function. This variant has not been reported in the literature in individuals affected with BRCA1-related conditions. This variant is present in population databases (no rsID available, gnomAD 0.01%). This sequence change replaces cysteine, which is neutral and slightly polar, with tyrosine, which is neutral and polar, at codon 442 of the BRCA1 protein (p.Cys442Tyr). In summary, the available evidence is currently insufficient to determine the role of this variant in disease. Therefore, it has been classified as a Variant of Uncertain Significance.

NM_007294.4(BRCA1):c.1325G>A (p.Cys442Tyr)

Gene: BRCA1 (BRCA1 DNA repair associated; minus strand). Cytogenetic location: 17q21.31.
Variant type: single nucleotide variant.
Coding change: c.1325G>A on transcript NM_007294.4 (MANE Select); coding-DNA position 1325, G replaced by A.
Protein change: p.Cys442Tyr; replaces cysteine 442 with tyrosine.
Molecular consequence: missense variant. On other transcripts: intron variant (137).
Genome position (GRCh38, 1-based): chr17:43,094,206, C>T on the plus strand (G>A on the coding strand, the complement: BRCA1 is on the minus strand). VCF-style: chr17-43094206-C-T. GRCh37 (hg19) VCF-style: chr17-41246223-C-T.
Other names: c.784+538G>A (NM_001408392.1, NM_001407986.1, NM_001407972.1 and 13 more transcripts); c.1184G>A, p.Cys395Tyr (NM_001407697.1, NM_001407698.1, NM_001407724.1 and 29 more transcripts); c.664+538G>A (NM_001408441.1, NM_001408437.1, NM_001408429.1 and 12 more transcripts); c.787+538G>A (NM_001407979.1, NM_001407977.1, NM_001407982.1 and 19 more transcripts); c.646+538G>A (NM_001408410.1, NM_001408458.1, NM_001408469.1 and 11 more transcripts); c.709+538G>A (NM_001408415.1, NM_001408412.1, NM_001408409.1 and 2 more transcripts); c.577+538G>A (NM_001408483.1, NM_001408481.1, NM_001408480.1 and 9 more transcripts); c.1181G>A, p.Cys394Tyr (NM_001407740.1, NM_001407741.1, NM_001407742.1 and 20 more transcripts); and 40 more; short protein forms C315Y, C371Y, C400Y, C314Y, C330Y, C331Y, C354Y, C394Y.
Identifiers: ClinVar variation 2790182 (VCV002790182.3), dbSNP rs1285425507, ClinGen allele CA10599403.